The following is an entry in ClinVar:

NM_017671.5(FERMT1):c.1640C>T (p.Pro547Leu)

Gene: FERMT1 (FERM domain containing kindlin 1; minus strand). Cytogenetic location: 20p12.3.
Variant type: single nucleotide variant.
Coding change: c.1640C>T on transcript NM_017671.5 (MANE Select); coding-DNA position 1640, C replaced by T.
Protein change: p.Pro547Leu; replaces proline 547 with leucine.
Molecular consequence: missense variant.
Genome position (GRCh38, 1-based): chr20:6,084,118, G>A on the plus strand (C>T on the coding strand, the complement: FERMT1 is on the minus strand). VCF-style: chr20-6084118-G-A. GRCh37 (hg19) VCF-style: chr20-6064765-G-A.
Other names: c.1640C>T (NM_017671.4); short protein forms P547L.
Identifiers: ClinVar variation 2045466 (VCV002045466.2), dbSNP rs370050989, ClinGen allele CA311211915.
Genomic context (GRCh38, chr20:6,084,118, plus strand): 5'-AGGCCAAACTCAGGCAGTGACTGCCACGCCTGGATGAACCGCAGCTTGGCTTCGACCAGG[G>A]GCATCTGGGCCACGTTCTGGTGCGCCTCCAGGATCCGGGCGGCCAGCTGAACAGAAACAG-3'
Protein context (NP_060141.3, residues 537-557): LEAHQNVAQM[Pro547Leu]LVEAKLRFIQ

ClinVar aggregate classification (germline): Uncertain significance. Review status: criteria provided, multiple submitters, no conflicts (2 of 4 stars). 2 submissions from 2 submitters: Uncertain significance (2). Last evaluated 2025-08-03.

Conditions:
Inborn genetic diseases. Identifiers: MedGen C0950123, MeSH D030342.

Allele frequency attached by ClinVar (database versions not stated): gnomAD 0.00003.
gnomAD v4.1: 18 of 1,613,668 alleles (0.0011%); highest among the groups gnomAD compares: Non-Finnish European, 0.0014%; no homozygotes.

Submissions (2):

Ambry Genetics
Classification: Uncertain significance for Inborn genetic diseases. Last evaluated: 2025-08-03. Review status: criteria provided, single submitter. Criteria: Ambry Variant Classification Scheme 2023. Collection method: clinical testing. Allele origin: germline.

Labcorp Genetics (formerly Invitae), Labcorp
Classification: Uncertain significance. Last evaluated: 2022-06-22. Review status: criteria provided, single submitter. Criteria: Invitae Variant Classification Sherloc (09022015). Collection method: clinical testing. Allele origin: germline.
Comment: This sequence change replaces proline, which is neutral and non-polar, with leucine, which is neutral and non-polar, at codon 547 of the FERMT1 protein (p.Pro547Leu). This variant is present in population databases (no rsID available, gnomAD 0.007%). This variant has not been reported in the literature in individuals affected with FERMT1-related conditions. Algorithms developed to predict the effect of missense changes on protein structure and function output the following: SIFT: "Tolerated"; PolyPhen-2: "Benign"; Align-GVGD: "Class C15". The leucine amino acid residue is found in multiple mammalian species, which suggests that this missense change does not adversely affect protein function. In summary, the available evidence is currently insufficient to determine the role of this variant in disease. Therefore, it has been classified as a Variant of Uncertain Significance.